The following is an entry in ClinVar:

ClinVar aggregate classification (germline): Uncertain significance (1 of 4 stars; one submission).

gnomAD v4.1: 3 of 1,613,744 alleles (0.00019%); highest among the groups gnomAD compares: Non-Finnish European, 0.00025%; no homozygotes.

Submission:

Mayo Clinic Laboratories, Mayo Clinic
Classification: Uncertain significance. Last evaluated: 2025-02-02. Review status: criteria provided, single submitter. Criteria: ACMG Guidelines, 2015. Collection method: clinical testing. Allele origin: germline. Observed: 1 variant allele.
Comment: BP4

NM_001267550.2(TTN):c.12912G>T (p.Leu4304Phe)

Gene: TTN (titin; minus strand). Cytogenetic location: 2q31.2.
Variant type: single nucleotide variant.
Coding change: c.12912G>T on transcript NM_001267550.2 (MANE Select); coding-DNA position 12912, G replaced by T.
Protein change: p.Leu4304Phe; replaces leucine 4304 with phenylalanine.
Molecular consequence: missense variant. On other transcripts: intron variant (1).
Genome position (GRCh38, 1-based): chr2:178,740,321, C>A on the plus strand (G>T on the coding strand, the complement: TTN is on the minus strand). VCF-style: chr2-178740321-C-A. GRCh37 (hg19) VCF-style: chr2-179605048-C-A.
Other names: p.Leu3987Phe; c.11961G>T, p.Leu3987Phe (NM_001256850.1); c.11823G>T, p.Leu3941Phe (NM_003319.4); c.12198G>T, p.Leu4066Phe (NM_133432.3); c.12399G>T, p.Leu4133Phe (NM_133437.4); c.10361-1961G>T (NM_133378.4); short protein forms L3987F, L4133F, L4304F, L3941F, L4066F.
Identifiers: ClinVar variation 4540763 (VCV004540763.1).